The following is an entry in ClinVar:

NM_002691.4(POLD1):c.1595C>A (p.Ala532Asp)

Gene: POLD1 (DNA polymerase delta 1, catalytic subunit; plus strand). Cytogenetic location: 19q13.33.
Variant type: single nucleotide variant.
Coding change: c.1595C>A on transcript NM_002691.4 (MANE Select); coding-DNA position 1595, C replaced by A.
Protein change: p.Ala532Asp; replaces alanine 532 with aspartic acid.
Molecular consequence: missense variant. On other transcripts: non-coding transcript variant (1).
Genome position (GRCh38, 1-based): chr19:50,407,083, C>A. VCF-style: chr19-50407083-C-A. GRCh37 (hg19) VCF-style: chr19-50910340-C-A.
Other names: c.1595C>A, p.Ala532Asp (NM_001256849.1, NM_001308632.1); short protein forms A532D.
Identifiers: ClinVar variation 1060952 (VCV001060952.9), dbSNP rs2122338351, ClinGen allele CA406980935.
Genomic context (GRCh38, chr19:50,407,083, plus strand): 5'-GCCTGAAGGATGCCTACCTGCCACTGCGGCTGCTGGAGCGGCTCATGGTGCTGGTGAACG[C>A]CGTGGAGATGGCGAGGGTCACTGGCGTGCCCCTCAGCTACCTGCTCAGTCGTGGCCAGCA-3'
Protein context (NP_002682.2, residues 522-542): LLERLMVLVN[Ala532Asp]VEMARVTGVP

ClinVar aggregate classification (germline): Uncertain significance (1 of 4 stars; one submission).

Conditions:
POLD1-related polyposis and colorectal cancer syndrome (CRCS10). Also called: Colorectal cancer, susceptibility to, 10; Colorectal cancer 10; COLORECTAL CANCER, SUSCEPTIBILITY TO, ON CHROMOSOME 19q. Identifiers: Orphanet 220460, MedGen C2675481, MONDO:0012953, OMIM 612591.

Submission:

Labcorp Genetics (formerly Invitae), Labcorp
Classification: Uncertain significance for POLD1-related polyposis and colorectal cancer syndrome. Last evaluated: 2020-05-21. Review status: criteria provided, single submitter. Criteria: Invitae Variant Classification Sherloc (09022015). Collection method: clinical testing. Allele origin: germline.
Comment: This sequence change replaces alanine with aspartic acid at codon 532 of the POLD1 protein (p.Ala532Asp). The alanine residue is weakly conserved and there is a moderate physicochemical difference between alanine and aspartic acid. This variant is not present in population databases (ExAC no frequency). In summary, the available evidence is currently insufficient to determine the role of this variant in disease. Therefore, it has been classified as a Variant of Uncertain Significance. Algorithms developed to predict the effect of missense changes on protein structure and function (SIFT, PolyPhen-2, Align-GVGD) all suggest that this variant is likely to be tolerated, but these predictions have not been confirmed by published functional studies and their clinical significance is uncertain. This variant has not been reported in the literature in individuals with POLD1-related conditions.